The following is an entry in ClinVar:

ClinVar aggregate classification (germline): Uncertain significance (1 of 4 stars; one submission).

Conditions:
Multiple endocrine neoplasia, type 1 (MEN1). Also called: MEA I; MEN I; WERMER SYNDROME; Endocrine adenomatosis multiple; MEN 1. Identifiers: Orphanet 652, MedGen C0025267, MeSH D018761, MONDO:0007540, OMIM 131100.

Submission:

Labcorp Genetics (formerly Invitae), Labcorp
Classification: Uncertain significance for Multiple endocrine neoplasia, type 1. Last evaluated: 2023-02-02. Review status: criteria provided, single submitter. Criteria: Invitae Variant Classification Sherloc (09022015). Collection method: clinical testing. Allele origin: germline.
Comment: This variant is not present in population databases (gnomAD no frequency). This variant has not been reported in the literature in individuals affected with MEN1-related conditions. ClinVar contains an entry for this variant (Variation ID: 843235). Advanced modeling of protein sequence and biophysical properties (such as structural, functional, and spatial information, amino acid conservation, physicochemical variation, residue mobility, and thermodynamic stability) performed at Invitae indicates that this missense variant is expected to disrupt MEN1 protein function. In summary, the available evidence is currently insufficient to determine the role of this variant in disease. Therefore, it has been classified as a Variant of Uncertain Significance. This sequence change replaces valine, which is neutral and non-polar, with glycine, which is neutral and non-polar, at codon 550 of the MEN1 protein (p.Val550Gly).

NM_001370259.2(MEN1):c.1649T>G (p.Val550Gly)

Gene: MEN1 (menin 1; minus strand). Cytogenetic location: 11q13.1.
Variant type: single nucleotide variant.
Coding change: c.1649T>G on transcript NM_001370259.2 (MANE Select); coding-DNA position 1649, T replaced by G.
Protein change: p.Val550Gly; replaces valine 550 with glycine.
Molecular consequence: missense variant.
Genome position (GRCh38, 1-based): chr11:64,804,518, A>C on the plus strand (T>G on the coding strand, the complement: MEN1 is on the minus strand). VCF-style: chr11-64804518-A-C. GRCh37 (hg19) VCF-style: chr11-64571990-A-C.
Other names: c.1664T>G, p.Val555Gly (NM_000244.4, NM_130800.3, NM_130801.3 and 3 more transcripts); c.1775T>G, p.Val592Gly (NM_001370251.2); c.1649T>G, p.Val550Gly (NM_001370260.2, NM_001370261.2, NM_130799.3); c.1544T>G, p.Val515Gly (NM_001370262.2, NM_001370263.2); short protein forms V550G, V555G, V592G, V515G.
Identifiers: ClinVar variation 843235 (VCV000843235.9), dbSNP rs1941506496, ClinGen allele CA381177884.